The following is an entry in ClinVar:

ClinVar aggregate classification (germline): Likely pathogenic (1 of 4 stars; one submission).

Conditions:
CYP21A2-related disorder. Also called: CYP21A2-related condition.

Submission:

PreventionGenetics, part of Exact Sciences
Classification: Likely pathogenic for CYP21A2-related condition. Last evaluated: 2025-11-18. Review status: criteria provided, single submitter. Criteria: ACMG Guidelines, 2015. Collection method: clinical testing. Allele origin: germline.
Comment: The CYP21A2 c.517_519delATC variant is predicted to result in an in-frame deletion (p.Ile173del). To our knowledge, this variant has not been reported in the literature or in a large population database (gnomAD), indicating this variant is rare. However, a missense variant at the codon 173 defined as c.518T>A (p.Ile173Asn) (also known as I172N in the literature), which is likely originated from the pseudogene CYP21A1P via gene conversion, has been well documented to be pathogenic and be associated with simple-virilizing (SV) congenital adrenal hyperplasia (CAH) (see for example, New et al. 2013. PubMed ID: 23359698; Finkielstain et al. 2011. PubMed ID: 20926536). The c.517_519delATC (p.Ile173del) variant is interpreted as likely pathogenic and is likely associated with classic (simple-virilizing or salt-wasting) CAH.

NM_000500.9(CYP21A2):c.514ATC[1] (p.Ile173del)

Genes: CYP21A2 (cytochrome P450 family 21 subfamily A member 2; plus strand), LOC106780800 (CYP21A2 recombination region; plus strand). Cytogenetic location: 6p21.33.
Variant type: Microsatellite.
Coding change: c.514ATC[1] on transcript NM_000500.9 (MANE Select); one copy of the 3-base unit ATC starting at c.514; the reference has two copies in a row; one copy, 3 bases deleted.
Protein change: p.Ile173del; deletes isoleucine 173.
Molecular consequence: inframe deletion.
Genome position (GRCh38, 1-based): chr6:32,039,425-32,039,427, ATC deleted; deleting any 3 consecutive bases within chr6:32,039,421-32,039,427 gives the same sequence; the position shown is the placement nearest the transcript's 3' end. VCF-style (leftmost placement, unchanged base first): chr6-32039420-GCAT-G. GRCh37 (hg19) VCF-style: chr6-32007197-GCAT-G.
Other names: c.424ATC[1], p.Ile143del (NM_001128590.4); c.109ATC[1], p.Ile38del (NM_001368143.2, NM_001368144.2); short protein forms I143del, I173del, I38del.
Identifiers: ClinVar variation 5001795 (VCV005001795.1).
Genomic context (GRCh38, chr6:32,039,420, plus strand): 5'-TGAGAGCCCAGCCCGGCACCCCTGTGGCCATTGAGGAGGAATTCTCTCTCCTCACCTGCA[GCAT>G]CATCTGTTACCTCACCTTCGGAGACAAGATCAAGGTGCCTCACAGCCCCTCAGGCCCACC-3'